The following is an entry in ClinVar:

NM_025132.4(WDR19):c.223A>C (p.Lys75Gln)

Gene: WDR19 (WD repeat domain 19; plus strand). Cytogenetic location: 4p14.
Variant type: single nucleotide variant.
Coding change: c.223A>C on transcript NM_025132.4 (MANE Select); coding-DNA position 223, A replaced by C.
Protein change: p.Lys75Gln; replaces lysine 75 with glutamine.
Molecular consequence: missense variant. On other transcripts: 5 prime UTR variant (1).
Genome position (GRCh38, 1-based): chr4:39,189,714, A>C. VCF-style: chr4-39189714-A-C. GRCh37 (hg19) VCF-style: chr4-39191334-A-C.
Other names: c.-142A>C (NM_001317924.2); short protein forms K75Q.
Identifiers: ClinVar variation 2008419 (VCV002008419.4), dbSNP rs748216356, ClinGen allele CA2891567.

ClinVar aggregate classification (germline): Uncertain significance (1 of 4 stars; one submission).

Conditions:
Asphyxiating thoracic dystrophy 5 (SRTD5). Also called: SHORT-RIB THORACIC DYSPLASIA 5 WITH OR WITHOUT POLYDACTYLY; SHORT-RIB THORACIC DYSPLASIA 5 WITHOUT POLYDACTYLY. Identifiers: Orphanet 474, MedGen C3280598, MONDO:0013717, OMIM 614376.
Senior-Loken syndrome 8 (SLSN8). Identifiers: Orphanet 3156, MedGen C4225376, MONDO:0014579, OMIM 616307.

Allele frequency attached by ClinVar (database versions not stated): gnomAD 0.00001; gnomAD exomes 0.00003; ExAC 0.00005.

Submission:

Labcorp Genetics (formerly Invitae), Labcorp
Classification: Uncertain significance for Senior-Loken syndrome 8; Asphyxiating thoracic dystrophy 5. Last evaluated: 2022-06-19. Review status: criteria provided, single submitter. Criteria: Invitae Variant Classification Sherloc (09022015). Collection method: clinical testing. Allele origin: germline.
Comment: This variant is present in population databases (rs748216356, gnomAD 0.04%). This sequence change replaces lysine, which is basic and polar, with glutamine, which is neutral and polar, at codon 75 of the WDR19 protein (p.Lys75Gln). This variant has not been reported in the literature in individuals affected with WDR19-related conditions. In summary, the available evidence is currently insufficient to determine the role of this variant in disease. Therefore, it has been classified as a Variant of Uncertain Significance. Algorithms developed to predict the effect of missense changes on protein structure and function (SIFT, PolyPhen-2, Align-GVGD) all suggest that this variant is likely to be tolerated.